The following is an entry in ClinVar:

ClinVar aggregate classification (germline): Uncertain significance. Review status: criteria provided, multiple submitters, no conflicts (2 of 4 stars). 8 submissions from 8 submitters: Uncertain significance (7). 1 of the submissions does not count toward it. Last evaluated 2025-08-28.

Conditions:
Hereditary cancer-predisposing syndrome. Also called: Tumor predisposition; Neoplastic Syndromes, Hereditary; Hereditary neoplastic syndrome; Hereditary Cancer Syndrome. Identifiers: Orphanet 140162, MedGen C0027672, MeSH D009386, MONDO:0015356.
Hereditary breast ovarian cancer syndrome. Also called: Hereditary breast and ovarian cancer; Hereditary breast and ovarian cancer syndrome (HBOC); Hereditary breast and/or ovarian cancer syndrome; Breast and ovarian cancer; Hereditary breast and ovarian cancer syndrome; BRCA1- and BRCA2-Associated Hereditary Breast and Ovarian Cancer. Identifiers: Orphanet 145, MedGen C0677776, MeSH D061325, MONDO:0003582. Disease mechanism: loss of function.
Breast-ovarian cancer, familial, susceptibility to, 2 (BROVCA2). Also called: BRCA2 Hereditary Breast and Ovarian Cancer. Identifiers: Orphanet 145, MedGen C2675520, MONDO:0012933, OMIM 612555. Disease mechanism: loss of function.
Familial cancer of breast. Also called: Hereditary breast cancer; BREAST CANCER, FAMILIAL; hereditary breast carcinoma. Identifiers: Orphanet 227535, MedGen C0346153, MONDO:0016419, OMIM 114480. Disease mechanism: loss of function.

Allele frequency attached by ClinVar (database versions not stated): gnomAD exomes below 0.00001.
gnomAD v4.1: 1 of 1,614,194 alleles (0.000062%); highest among the groups gnomAD compares: African/African-American, 0.0013%; no homozygotes.

Submissions (8):

Women's Health and Genetics/Laboratory Corporation of America, LabCorp
Classification: Uncertain significance. Last evaluated: 2025-08-28. Review status: criteria provided, single submitter. Criteria: LabCorp Variant Classification Summary - May 2015. Collection method: clinical testing. Allele origin: germline.
Comment: Variant summary: BRCA2 c.8239G>A (p.Val2747Ile) results in a conservative amino acid change located in the BRCA2, OB1 domain (IPR015187) of the encoded protein sequence. Algorithms developed to predict the effect of missense changes on protein structure and function all suggest that this variant is likely to be tolerated. The variant was absent in 249070 control chromosomes. To our knowledge, no occurrence of c.8239G>A in individuals affected with BRCA2-related conditions has been reported. At least one publication reports experimental evidence evaluating an impact on protein function. The most pronounced variant effect results in about 49% of normal activity by a homology-directed DNA repair (HDR) assay (Hu_2024). The following publication has been ascertained in the context of this evaluation (PMID: 38417439). ClinVar contains an entry for this variant (Variation ID: 38145). Based on the evidence outlined above, the variant was classified as VUS-possibly pathogenic.

Labcorp Genetics (formerly Invitae), Labcorp
Classification: Uncertain significance for Hereditary breast ovarian cancer syndrome. Last evaluated: 2025-08-09. Review status: criteria provided, single submitter. Criteria: Invitae Variant Classification Sherloc (09022015). Collection method: clinical testing. Allele origin: germline.
Comment: This sequence change replaces valine, which is neutral and non-polar, with isoleucine, which is neutral and non-polar, at codon 2747 of the BRCA2 protein (p.Val2747Ile). This variant is not present in population databases (gnomAD no frequency). This variant has not been reported in the literature in individuals affected with BRCA2-related conditions. ClinVar contains an entry for this variant (Variation ID: 38145). Invitae Evidence Modeling of protein sequence and biophysical properties (such as structural, functional, and spatial information, amino acid conservation, physicochemical variation, residue mobility, and thermodynamic stability) indicates that this missense variant is not expected to disrupt BRCA2 protein function with a negative predictive value of 95%. In summary, the available evidence is currently insufficient to determine the role of this variant in disease. Therefore, it has been classified as a Variant of Uncertain Significance.

Ambry Genetics
Classification: Uncertain significance for Hereditary cancer-predisposing syndrome. Last evaluated: 2024-12-30. Review status: criteria provided, single submitter. Criteria: Ambry Variant Classification Scheme 2023. Collection method: clinical testing. Allele origin: germline.
Comment: The p.V2747I variant (also known as c.8239G>A), located in coding exon 17 of the BRCA2 gene, results from a G to A substitution at nucleotide position 8239. The valine at codon 2747 is replaced by isoleucine, an amino acid with highly similar properties. This variant was non-functional in a homology-directed DNA repair (HDR) assay (Hu C et al. Am J Hum Genet, 2024 Mar;111:584-593). This amino acid position is well conserved in available vertebrate species. In addition, the in silico prediction for this alteration is inconclusive. Based on the available evidence, the clinical significance of this variant remains unclear.

Baylor Genetics
Classification: Uncertain significance for Familial cancer of breast. Last evaluated: 2023-08-18. Review status: criteria provided, single submitter. Criteria: ACMG Guidelines, 2015. Collection method: clinical testing. Allele origin: unknown.

GeneDx
Classification: Uncertain significance. Last evaluated: 2022-06-30. Review status: criteria provided, single submitter. Criteria: GeneDx Variant Classification Process June 2021. Collection method: clinical testing. Allele origin: germline. Affected: yes.
Comment: Not observed at significant frequency in large population cohorts (gnomAD); In silico analysis supports that this missense variant does not alter protein structure/function; Has not been previously published as pathogenic or benign to our knowledge; Also known as 8467G>A; This variant is associated with the following publications: (PMID: 12228710)

Clinical Genetics Laboratory, Skane University Hospital Lund
Classification: Uncertain significance. Last evaluated: 2022-05-27. Review status: criteria provided, single submitter. Criteria: ACMG Guidelines, 2015. Collection method: clinical testing. Allele origin: germline. Affected: yes.

Color Diagnostics, LLC DBA Color Health
Classification: Uncertain significance for Hereditary cancer-predisposing syndrome. Last evaluated: 2019-09-05. Review status: criteria provided, single submitter. Criteria: ACMG Guidelines, 2015. Collection method: clinical testing. Allele origin: germline.
Comment: This missense variant replaces valine with isoleucine at codon 2747 of the BRCA2 protein. Computational prediction tools and conservation analyses are inconclusive regarding the impact of this variant on protein structure and function. Splice site prediction tools suggest that this variant may not impact RNA splicing. To our knowledge, functional studies have not been performed for this variant. This variant has not been reported in individuals affected with hereditary cancer in the literature. This variant has not been identified in the general population by the Genome Aggregation Database (gnomAD). The available evidence is insufficient to determine the role of this variant in disease conclusively. Therefore, this variant is classified as a Variant of Uncertain Significance.

Sharing Clinical Reports Project (SCRP)
Classification: Uncertain significance for Breast-ovarian cancer, familial 2. Last evaluated: 2007-05-23. Review status: no assertion criteria provided. Collection method: clinical testing. Allele origin: germline. Not counted in ClinVar's aggregate classification.

Literature cited by the submitters: PubMed 38417439 (cited by Women's Health and Genetics/Laboratory Corporation of America, LabCorp and Ambry Genetics).

NM_000059.4(BRCA2):c.8239G>A (p.Val2747Ile)

Gene: BRCA2 (BRCA2 DNA repair associated; plus strand). Cytogenetic location: 13q13.1.
Variant type: single nucleotide variant.
Coding change: c.8239G>A on transcript NM_000059.4 (MANE Select); coding-DNA position 8239, G replaced by A.
Protein change: p.Val2747Ile; replaces valine 2747 with isoleucine.
Molecular consequence: missense variant.
Genome position (GRCh38, 1-based): chr13:32,363,441, G>A. VCF-style: chr13-32363441-G-A. GRCh37 (hg19) VCF-style: chr13-32937578-G-A.
Other names: short protein forms V2747I.
Identifiers: ClinVar variation 38145 (VCV000038145.25), dbSNP rs397507398, ClinGen allele CA025534.
Genomic context (GRCh38, chr13:32,363,441, plus strand): 5'-GCTGTTAAGGCCCAGTTAGATCCTCCCCTCTTAGCTGTCTTAAAGAATGGCAGACTGACA[G>A]TTGGTCAGAAGATTATTCTTCATGGAGCAGAACTGGTGGGCTCTCCTGATGCCTGTACAC-3'
Protein context (NP_000050.3, residues 2737-2757): LAVLKNGRLT[Val2747Ile]GQKIILHGAE